The following is an entry in ClinVar:

NM_017780.4(CHD7):c.466A>C (p.Ile156Leu)

Gene: CHD7 (chromodomain helicase DNA binding protein 7; plus strand). Cytogenetic location: 8q12.2.
Variant type: single nucleotide variant.
Coding change: c.466A>C on transcript NM_017780.4 (MANE Select); coding-DNA position 466, A replaced by C.
Protein change: p.Ile156Leu; replaces isoleucine 156 with leucine.
Molecular consequence: missense variant.
Genome position (GRCh38, 1-based): chr8:60,741,898, A>C. VCF-style: chr8-60741898-A-C. GRCh37 (hg19) VCF-style: chr8-61654457-A-C.
Other names: c.466A>C, p.Ile156Leu (NM_001316690.1); short protein forms I156L.
Identifiers: ClinVar variation 1431149 (VCV001431149.8), dbSNP rs2150578286, ClinGen allele CA371297478.

ClinVar aggregate classification (germline): Uncertain significance (1 of 4 stars; one submission).

Conditions:
CHARGE syndrome (CHARGE). Also called: Coloboma, heart anomaly, choanal atresia, retardation, genital and ear anomalies; CHARGE association; Hall-Hittner syndrome; Hittner Hirsch Kreh syndrome; CHARGE ASSOCIATION--COLOBOMA, HEART ANOMALY, CHOANAL ATRESIA, RETARDATION, GENITAL AND EAR ANOMALIES. Identifiers: Orphanet 138, MedGen C0265354, MONDO:0008965.

gnomAD v4.1: 1 of 1,613,300 alleles (0.000062%); highest among the groups gnomAD compares: Non-Finnish European, 0.000085%; no homozygotes.

Submission:

Labcorp Genetics (formerly Invitae), Labcorp
Classification: Uncertain significance for CHARGE syndrome. Last evaluated: 2022-05-27. Review status: criteria provided, single submitter. Criteria: Invitae Variant Classification Sherloc (09022015). Collection method: clinical testing. Allele origin: germline.
Comment: In summary, the available evidence is currently insufficient to determine the role of this variant in disease. Therefore, it has been classified as a Variant of Uncertain Significance. Advanced modeling of protein sequence and biophysical properties (such as structural, functional, and spatial information, amino acid conservation, physicochemical variation, residue mobility, and thermodynamic stability) performed at Invitae indicates that this missense variant is not expected to disrupt CHD7 protein function. This variant has not been reported in the literature in individuals affected with CHD7-related conditions. This variant is not present in population databases (gnomAD no frequency). This sequence change replaces isoleucine, which is neutral and non-polar, with leucine, which is neutral and non-polar, at codon 156 of the CHD7 protein (p.Ile156Leu).